The following is an entry in ClinVar:

ClinVar aggregate classification (germline): Conflicting classifications of pathogenicity. Review status: criteria provided, conflicting classifications (1 of 4 stars). 2 submissions from 2 submitters: Uncertain significance (1); Likely benign (1). Last evaluated 2026-08-03.

Conditions:
Hereditary cancer-predisposing syndrome. Also called: Hereditary Cancer Syndrome; Hereditary neoplastic syndrome; Neoplastic Syndromes, Hereditary; Tumor predisposition. Identifiers: Orphanet 140162, MedGen C0027672, MeSH D009386, MONDO:0015356.
Familial cancer of breast. Also called: BREAST CANCER, FAMILIAL; Hereditary breast cancer; hereditary breast carcinoma. Identifiers: Orphanet 227535, MedGen C0346153, MONDO:0016419, OMIM 114480. Disease mechanism: loss of function.

Submissions (2):

Ambry Genetics
Classification: Likely benign for Hereditary cancer-predisposing syndrome. Last evaluated: 2026-08-03. Review status: criteria provided, single submitter. Criteria: Ambry Variant Classification Scheme 2023. Collection method: clinical testing. Allele origin: germline.

Labcorp Genetics (formerly Invitae), Labcorp
Classification: Uncertain significance for Familial cancer of breast. Last evaluated: 2025-08-18. Review status: criteria provided, single submitter. Criteria: Invitae Variant Classification Sherloc (09022015). Collection method: clinical testing. Allele origin: germline.
Comment: This sequence change replaces arginine, which is basic and polar, with glycine, which is neutral and non-polar, at codon 794 of the PALB2 protein (p.Arg794Gly). This variant is not present in population databases (gnomAD no frequency). This variant has not been reported in the literature in individuals affected with PALB2-related conditions. Invitae Evidence Modeling of protein sequence and biophysical properties (such as structural, functional, and spatial information, amino acid conservation, physicochemical variation, residue mobility, and thermodynamic stability) indicates that this missense variant is not expected to disrupt PALB2 protein function with a negative predictive value of 80%. In summary, the available evidence is currently insufficient to determine the role of this variant in disease. Therefore, it has been classified as a Variant of Uncertain Significance.

NM_024675.4(PALB2):c.2380A>G (p.Arg794Gly)

Gene: PALB2 (partner and localizer of BRCA2; minus strand). Cytogenetic location: 16p12.2.
Variant type: single nucleotide variant.
Coding change: c.2380A>G on transcript NM_024675.4 (MANE Select); coding-DNA position 2380, A replaced by G.
Protein change: p.Arg794Gly; replaces arginine 794 with glycine.
Molecular consequence: missense variant. On other transcripts: intron variant (1).
Genome position (GRCh38, 1-based): chr16:23,629,774, T>C on the plus strand (A>G on the coding strand, the complement: PALB2 is on the minus strand). VCF-style: chr16-23629774-T-C. GRCh37 (hg19) VCF-style: chr16-23641095-T-C.
Other names: c.1495A>G, p.Arg499Gly (NM_001407306.1, NM_001407307.1, NM_001407308.1 and 5 more transcripts); c.592A>G, p.Arg198Gly (NM_001407312.1, NM_001407313.1); c.2320A>G, p.Arg774Gly (NM_001407296.1); c.2380A>G, p.Arg794Gly (NM_001407297.1, NM_001407298.1, NM_001407299.1 and 3 more transcripts); c.49-499A>G (NM_001407314.1); short protein forms R499G, R198G, R794G, R774G.
Identifiers: ClinVar variation 4746105 (VCV004746105.2).
Genomic context (GRCh38, chr16:23,629,774, plus strand): 5'-CAATGGGTGGAGGTGTTCCTGGCGGGACAGAGTCACAGTCACAGGTAGGTTGTCCTTGCC[T>C]GCCTGACACTTGCAGGGTGGTATGTGGTTTTGCTGGGCTGCCTGAACTGTCGAATTGTTT-3'
Protein context (NP_078951.2, residues 784-804): KPHTTLQVSG[Arg794Gly]QGQPTCDCDS